The following is an entry in ClinVar:

ClinVar aggregate classification (germline): Uncertain significance. Review status: criteria provided, multiple submitters, no conflicts (2 of 4 stars). 2 submissions from 2 submitters: Uncertain significance (2). Last evaluated 2024-03-29.

Conditions:
Fraser syndrome 1 (FRASRS1). Also called: CRYPTOPHTHALMOS WITH OTHER MALFORMATIONS. Identifiers: Orphanet 2052, MedGen C4551480, MONDO:0054737, OMIM 219000.

gnomAD v4.1: 5 of 1,613,860 alleles (0.00031%); highest among the groups gnomAD compares: Admixed American, 0.0067%; no homozygotes.

Submissions (2):

Fulgent Genetics
Classification: Uncertain significance for Fraser syndrome 1. Last evaluated: 2024-03-29. Review status: criteria provided, single submitter. Criteria: ACMG Guidelines, 2015. Collection method: clinical testing. Allele origin: germline.

Labcorp Genetics (formerly Invitae), Labcorp
Classification: Uncertain significance. Last evaluated: 2024-02-17. Review status: criteria provided, single submitter. Criteria: Invitae Variant Classification Sherloc (09022015). Collection method: clinical testing. Allele origin: germline.
Comment: This sequence change replaces arginine, which is basic and polar, with leucine, which is neutral and non-polar, at codon 2356 of the FRAS1 protein (p.Arg2356Leu). This variant is present in population databases (rs377717035, gnomAD 0.006%). This variant has not been reported in the literature in individuals affected with FRAS1-related conditions. Advanced modeling of protein sequence and biophysical properties (such as structural, functional, and spatial information, amino acid conservation, physicochemical variation, residue mobility, and thermodynamic stability) performed at Invitae indicates that this missense variant is not expected to disrupt FRAS1 protein function with a negative predictive value of 80%. In summary, the available evidence is currently insufficient to determine the role of this variant in disease. Therefore, it has been classified as a Variant of Uncertain Significance.

NM_025074.7(FRAS1):c.7067G>T (p.Arg2356Leu)

Gene: FRAS1 (Fraser extracellular matrix complex subunit 1; plus strand). Cytogenetic location: 4q21.21.
Variant type: single nucleotide variant.
Coding change: c.7067G>T on transcript NM_025074.7 (MANE Select); coding-DNA position 7067, G replaced by T.
Protein change: p.Arg2356Leu; replaces arginine 2356 with leucine.
Molecular consequence: missense variant.
Genome position (GRCh38, 1-based): chr4:78,466,245, G>T. VCF-style: chr4-78466245-G-T. GRCh37 (hg19) VCF-style: chr4-79387399-G-T.
Other names: short protein forms R2356L.
Identifiers: ClinVar variation 3591074 (VCV003591074.3).